The following is an entry in ClinVar:

NM_002528.7(NTHL1):c.641C>T (p.Ala214Val)

Gene: NTHL1 (nth like DNA glycosylase 1; minus strand). Cytogenetic location: 16p13.3.
Variant type: single nucleotide variant.
Coding change: c.641C>T on transcript NM_002528.7 (MANE Select); coding-DNA position 641, C replaced by T.
Protein change: p.Ala214Val; replaces alanine 214 with valine.
Molecular consequence: missense variant.
Genome position (GRCh38, 1-based): chr16:2,043,611, G>A on the plus strand (C>T on the coding strand, the complement: NTHL1 is on the minus strand). VCF-style: chr16-2043611-G-A. GRCh37 (hg19) VCF-style: chr16-2093612-G-A.
Other names: c.470C>T, p.Ala157Val (NM_001318193.2); c.311C>T, p.Ala104Val (NM_001318194.2); short protein forms A157V, A104V, A214V.
Identifiers: ClinVar variation 1754731 (VCV001754731.7), dbSNP rs2150941226, ClinGen allele CA394291193.

ClinVar aggregate classification (germline): Uncertain significance. Review status: criteria provided, multiple submitters, no conflicts (2 of 4 stars). 2 submissions from 2 submitters: Uncertain significance (2). Last evaluated 2022-09-06.

Conditions:
Hereditary cancer-predisposing syndrome. Also called: Neoplastic Syndromes, Hereditary; Tumor predisposition; Hereditary Cancer Syndrome; Hereditary neoplastic syndrome. Identifiers: Orphanet 140162, MedGen C0027672, MeSH D009386, MONDO:0015356.

Submissions (2):

Labcorp Genetics (formerly Invitae), Labcorp
Classification: Uncertain significance. Last evaluated: 2022-09-06. Review status: criteria provided, single submitter. Criteria: Invitae Variant Classification Sherloc (09022015). Collection method: clinical testing. Allele origin: germline.
Comment: This sequence change replaces alanine, which is neutral and non-polar, with valine, which is neutral and non-polar, at codon 222 of the NTHL1 protein (p.Ala222Val). This variant is not present in population databases (gnomAD no frequency). This variant has not been reported in the literature in individuals affected with NTHL1-related conditions. Algorithms developed to predict the effect of missense changes on protein structure and function are either unavailable or do not agree on the potential impact of this missense change (SIFT: "Not Available"; PolyPhen-2: "Probably Damaging"; Align-GVGD: "Not Available"). In summary, the available evidence is currently insufficient to determine the role of this variant in disease. Therefore, it has been classified as a Variant of Uncertain Significance.

Ambry Genetics
Classification: Uncertain significance for Hereditary cancer-predisposing syndrome. Last evaluated: 2021-11-01. Review status: criteria provided, single submitter. Criteria: Ambry Variant Classification Scheme 2023. Collection method: clinical testing. Allele origin: germline.
Comment: The p.A222V variant (also known as c.665C>T), located in coding exon 4 of the NTHL1 gene, results from a C to T substitution at nucleotide position 665. The alanine at codon 222 is replaced by valine, an amino acid with similar properties. This amino acid position is highly conserved in available vertebrate species. In addition, this alteration is predicted to be deleterious by in silico analysis. Since supporting evidence is limited at this time, the clinical significance of this alteration remains unclear.